The following is an entry in ClinVar:

NM_022124.6(CDH23):c.5067+1G>A

Gene: CDH23 (cadherin related 23; plus strand). Cytogenetic location: 10q22.1.
Variant type: single nucleotide variant.
Coding change: c.5067+1G>A on transcript NM_022124.6 (MANE Select); the canonical splice donor site of the intron after coding-DNA position 5067, G replaced by A.
Molecular consequence: splice donor variant.
Genome position (GRCh38, 1-based): chr10:71,777,902, G>A. VCF-style: chr10-71777902-G-A. GRCh37 (hg19) VCF-style: chr10-73537659-G-A.
Identifiers: ClinVar variation 2577146 (VCV002577146.1), dbSNP rs2494339264, ClinGen allele CA377140489.

ClinVar aggregate classification (germline): Likely pathogenic (1 of 4 stars; one submission).

Conditions:
Usher syndrome. Also called: Usher Syndromes; Usher's syndrome. Identifiers: Orphanet 886, MedGen CN469326, MeSH D052245, MONDO:0019501. Disease mechanism: loss of function.

Submission:

Women's Health and Genetics/Laboratory Corporation of America, LabCorp
Classification: Likely pathogenic for Retinitis pigmentosa-deafness syndrome. Last evaluated: 2023-07-21. Review status: criteria provided, single submitter. Criteria: LabCorp Variant Classification Summary - May 2015. Collection method: clinical testing. Allele origin: germline.
Comment: Variant summary: CDH23 c.5067+1G>A is located in a canonical splice-site and is predicted to affect mRNA splicing resulting in a significantly altered protein due to either exon skipping, shortening, or inclusion of intronic material. Several computational tools predict a significant impact on normal splicing: Three predict the variant abolishes the canonical 5' splicing donor site. However, these predictions have yet to be confirmed by functional studies. The variant was absent in 248894 control chromosomes (gnomAD). To our knowledge, no occurrence of c.5067+1G>A in individuals affected with Usher Syndrome and no experimental evidence demonstrating its impact on protein function have been reported. No submitters have cited clinical-significance assessments for this variant to ClinVar after 2014. Based on the evidence outlined above, the variant was classified as likely pathogenic.